The following is an entry in ClinVar:

ClinVar aggregate classification (germline): Pathogenic (1 of 4 stars; one submission).

Conditions:
Fanconi anemia complementation group O. Also called: RAD51C-Related Fanconi Anemia. Identifiers: Orphanet 84, MedGen C3150653, MONDO:0013248, OMIM 613390.

Submission:

Labcorp Genetics (formerly Invitae), Labcorp
Classification: Pathogenic for Fanconi anemia complementation group O. Last evaluated: 2025-02-23. Review status: criteria provided, single submitter. Criteria: Invitae Variant Classification Sherloc (09022015). Collection method: clinical testing. Allele origin: germline.
Comment: This sequence change inserts a large fragment of DNA, likely a transposable element, in exon 5 of the RAD51C gene (c.785_786ins?), causing a frameshift at codon 262 (p.Leu262fs). The exact size and sequence of the insertion cannot be determined by the current assay. However, the insertion is expected to result in an absent or disrupted protein product. This variant is not present in population databases (gnomAD no frequency). This variant has not been reported in the literature in individuals affected with RAD51C-related conditions. Retrotransposon insertions including LINE1 (L1), Alu, and SVA (SINE-VNTR-Alu) have been reported to be disease-causing through disruption of either a coding region or splice site (PMID: 19763152, 20307669, 22406018) and loss-of-function variants in RAD51C are known to be pathogenic (PMID: 20400964, 21990120, 24800917, 29278735). For these reasons, this variant has been classified as Pathogenic.

Literature cited by the submitters: PubMed 19763152; PubMed 20307669; PubMed 22406018; PubMed 20400964; PubMed 21990120; PubMed 24800917; PubMed 29278735.

NM_058216.3(RAD51C):c.785_786insTTTTTTTTTTTTTTTTTTNNNNNNNNNNTCACCGTTTTAGCCGGGATGGTCTCGATCTCCTGACCTCGTGATCCGCCCGCCTCGGCCTCCCAAAGTGCTGGGATTACAGGCGTGAGCCACCGCGCCCGGCCCGTACTCGGTTATT (p.Leu262delinsPhePhePhePhePhePheXaaXaaXaaXaaSerProPheTer)

Gene: RAD51C (RAD51 paralog C; plus strand). Cytogenetic location: 17q22.
Variant type: Insertion.
Coding change: c.785_786insTTTTTTTTTTTTTTTTTTNNNNNNNNNNTCACCGTTTTAGCCGGGATGGTCTCGATCTCCTGACCTCGTGATCCGCCCGCCTCGGCCTCCCAAAGTGCTGGGATTACAGGCGTGAGCCACCGCGCCCGGCCCGTACTCGGTTATT on transcript NM_058216.3 (MANE Select); coding-DNA positions 785 to 786, TTTTTTTTTTTTTTTTTTNNNNNNNNNNTCACCGTTTTAGCCGGGATGGTCTCGATCTCCTGACCTCGTGATCCGCCCGCCTCGGCCTCCCAAAGTGCTGGGATTACAGGCGTGAGCCACCGCGCCCGGCCCGTACTCGGTTATT inserted.
Protein change: p.Leu262delinsPhePhePhePhePhePheXaaXaaXaaXaaSerProPheTer.
Molecular consequence: nonsense. On other transcripts: non-coding transcript variant (1).
Genome position: GRCh38: chr17:58,709,938-58,709,939. GRCh37 (hg19): chr17:56,787,299-56,787,300.
Identifiers: ClinVar variation 1425085 (VCV001425085.6), dbSNP rs2143852568.